The following is an entry in ClinVar:

ClinVar aggregate classification (germline): Likely benign. Review status: criteria provided, multiple submitters, no conflicts (2 of 4 stars). 4 submissions from 4 submitters: Likely benign (3). 1 of the submissions does not count toward it. Last evaluated 2026-07-01.

Conditions:
DCHS1-related disorder. Also called: DCHS1-related condition.

Allele frequency attached by ClinVar (database versions not stated): 1000 Genomes Project 30x 0.00031; 1000 Genomes Project 0.00040; ESP Exome Variant Server 0.00054; gnomAD 0.00061 and 0.00063; TOPMed 0.00077; ExAC 0.00093.
gnomAD v4.1: 1,803 of 1,612,608 alleles (0.11%); highest among the groups gnomAD compares: Non-Finnish European, 0.14%; 1 homozygote.

Submissions (4):

CeGaT Center for Human Genetics Tuebingen
Classification: Likely benign. Last evaluated: 2026-07-01. Review status: criteria provided, single submitter. Criteria: CeGaT Center For Human Genetics Tuebingen Variant Classification Criteria Version 2. Collection method: clinical testing. Allele origin: germline. Affected: yes. Observed: 5 variant alleles.
Comment: DCHS1: BP4, BP7

Labcorp Genetics (formerly Invitae), Labcorp
Classification: Likely benign. Last evaluated: 2026-01-28. Review status: criteria provided, single submitter. Criteria: Invitae Variant Classification Sherloc (09022015). Collection method: clinical testing. Allele origin: germline.

Blueprint Genetics
Classification: Likely benign. Last evaluated: 2024-11-25. Review status: criteria provided, single submitter. Criteria: ACMG Guidelines, 2015. Collection method: clinical testing. Allele origin: germline.

PreventionGenetics, part of Exact Sciences
Classification: Likely benign for DCHS1-related condition. Last evaluated: 2020-02-24. Review status: no assertion criteria provided. Collection method: clinical testing. Allele origin: germline. Not counted in ClinVar's aggregate classification.
Comment: This variant is classified as likely benign based on ACMG/AMP sequence variant interpretation guidelines (Richards et al. 2015 PMID: 25741868, with internal and published modifications).

NM_003737.4(DCHS1):c.6495C>T (p.Asn2165=)

Gene: DCHS1 (dachsous cadherin-related 1; minus strand). Cytogenetic location: 11p15.4.
Variant type: single nucleotide variant.
Coding change: c.6495C>T on transcript NM_003737.4 (MANE Select); coding-DNA position 6495, C replaced by T.
Protein change: p.Asn2165=; no amino-acid change (asparagine 2165 retained).
Molecular consequence: synonymous variant.
Genome position (GRCh38, 1-based): chr11:6,626,250, G>A on the plus strand (C>T on the coding strand, the complement: DCHS1 is on the minus strand). VCF-style: chr11-6626250-G-A. GRCh37 (hg19) VCF-style: chr11-6647481-G-A.
Identifiers: ClinVar variation 718339 (VCV000718339.34), dbSNP rs147748847, ClinGen allele CA5859848.